The following is an entry in ClinVar:

NM_001039348.3(EFEMP1):c.1178T>C (p.Ile393Thr)

Gene: EFEMP1 (EGF-like fibulin extracellular matrix protein 1; minus strand). Cytogenetic location: 2p16.1.
Variant type: single nucleotide variant.
Coding change: c.1178T>C on transcript NM_001039348.3 (MANE Select); coding-DNA position 1178, T replaced by C.
Protein change: p.Ile393Thr; replaces isoleucine 393 with threonine.
Molecular consequence: missense variant.
Genome position (GRCh38, 1-based): chr2:55,870,862, A>G on the plus strand (T>C on the coding strand, the complement: EFEMP1 is on the minus strand). VCF-style: chr2-55870862-A-G. GRCh37 (hg19) VCF-style: chr2-56097997-A-G.
Other names: c.1178T>C, p.Ile393Thr (NM_001039349.3); short protein forms I393T.
Identifiers: ClinVar variation 2798199 (VCV002798199.3), dbSNP rs915936853, ClinGen allele CA48123182.

ClinVar aggregate classification (germline): Uncertain significance (1 of 4 stars; one submission).

Submission:

Labcorp Genetics (formerly Invitae), Labcorp
Classification: Uncertain significance. Last evaluated: 2023-07-28. Review status: criteria provided, single submitter. Criteria: Invitae Variant Classification Sherloc (09022015). Collection method: clinical testing. Allele origin: germline.
Comment: This sequence change replaces isoleucine, which is neutral and non-polar, with threonine, which is neutral and polar, at codon 393 of the EFEMP1 protein (p.Ile393Thr). This variant is not present in population databases (gnomAD no frequency). This variant has not been reported in the literature in individuals affected with EFEMP1-related conditions. Advanced modeling of protein sequence and biophysical properties (such as structural, functional, and spatial information, amino acid conservation, physicochemical variation, residue mobility, and thermodynamic stability) performed at Invitae indicates that this missense variant is not expected to disrupt EFEMP1 protein function. In summary, the available evidence is currently insufficient to determine the role of this variant in disease. Therefore, it has been classified as a Variant of Uncertain Significance.